The following is an entry in ClinVar:

NM_001127222.2(CACNA1A):c.6710G>T (p.Arg2237Leu)

Genes: CACNA1A (calcium voltage-gated channel subunit alpha1 A; minus strand), LOC130063717 (ATAC-STARR-seq lymphoblastoid silent region 10203; plus strand). Cytogenetic location: 19p13.13.
Variant type: single nucleotide variant.
Coding change: c.6710G>T on transcript NM_001127222.2 (MANE Select); coding-DNA position 6710, G replaced by T.
Protein change: p.Arg2237Leu; replaces arginine 2237 with leucine.
Molecular consequence: missense variant.
Genome position (GRCh38, 1-based): chr19:13,208,826, C>A on the plus strand (G>T on the coding strand, the complement: CACNA1A is on the minus strand). VCF-style: chr19-13208826-C-A. GRCh37 (hg19) VCF-style: chr19-13319640-C-A.
Other names: c.6728G>T, p.Arg2243Leu (NM_000068.4, NM_023035.3); c.6713G>T, p.Arg2238Leu (NM_001127221.2); c.6719G>T, p.Arg2240Leu (NM_001174080.2); short protein forms R2240L, R2237L, R2238L, R2243L.
Identifiers: ClinVar variation 1437967 (VCV001437967.6), dbSNP rs765309213, ClinGen allele CA404329602.

ClinVar aggregate classification (germline): Uncertain significance (1 of 4 stars; one submission).

Conditions:
Episodic ataxia type 2 (EA2). Also called: ACETAZOLAMIDE-RESPONSIVE HEREDITARY PAROXYSMAL CEREBELLAR ATAXIA; EPISODIC ATAXIA, NYSTAGMUS-ASSOCIATED; ATAXIA, EPISODIC, WITH NYSTAGMUS; ATAXIA, FAMILIAL PAROXYSMAL; CEREBELLAR ATAXIA, PAROXYSMAL, ACETAZOLAMIDE-RESPONSIVE; CEREBELLOPATHY, HEREDITARY PAROXYSMAL. Identifiers: Orphanet 97, MedGen C1720416, MONDO:0007163, OMIM 108500.
Developmental and epileptic encephalopathy, 42 (DEE42A). Also called: DEVELOPMENTAL AND EPILEPTIC ENCEPHALOPATHY 42A; EPILEPTIC ENCEPHALOPATHY, EARLY INFANTILE, 42A; Epileptic encephalopathy, early infantile, 42. Identifiers: MedGen C4310716, MONDO:0014917, OMIM 617106.

gnomAD v4.1: 1 of 1,532,486 alleles (0.000065%); highest among the groups gnomAD compares: Non-Finnish European, 0.000087%; no homozygotes.

Submission:

Labcorp Genetics (formerly Invitae), Labcorp
Classification: Uncertain significance for Developmental and epileptic encephalopathy, 42; Episodic ataxia type 2. Last evaluated: 2021-08-08. Review status: criteria provided, single submitter. Criteria: Invitae Variant Classification Sherloc (09022015). Collection method: clinical testing. Allele origin: germline.
Comment: In summary, the available evidence is currently insufficient to determine the role of this variant in disease. Therefore, it has been classified as a Variant of Uncertain Significance. Advanced modeling of protein sequence and biophysical properties (such as structural, functional, and spatial information, amino acid conservation, physicochemical variation, residue mobility, and thermodynamic stability) performed at Invitae indicates that this missense variant is not expected to disrupt CACNA1A protein function. This variant has not been reported in the literature in individuals affected with CACNA1A-related conditions. The frequency data for this variant in the population databases is considered unreliable, as metrics indicate insufficient coverage at this position in the ExAC database. This sequence change replaces arginine with leucine at codon 2238 of the CACNA1A protein (p.Arg2238Leu). The arginine residue is moderately conserved and there is a moderate physicochemical difference between arginine and leucine.